The following is an entry in ClinVar:

NM_015076.5(CDK19):c.589T>C (p.Phe197Leu)

Gene: CDK19 (cyclin dependent kinase 19; minus strand). Cytogenetic location: 6q21.
Variant type: single nucleotide variant.
Coding change: c.589T>C on transcript NM_015076.5 (MANE Select); coding-DNA position 589, T replaced by C.
Protein change: p.Phe197Leu; replaces phenylalanine 197 with leucine.
Molecular consequence: missense variant. On other transcripts: intron variant (1).
Genome position (GRCh38, 1-based): chr6:110,632,087, A>G on the plus strand (T>C on the coding strand, the complement: CDK19 is on the minus strand). VCF-style: chr6-110632087-A-G. GRCh37 (hg19) VCF-style: chr6-110953290-A-G.
Other names: c.409T>C, p.Phe137Leu (NM_001300963.2, NM_001300964.2); c.515-4942T>C (NM_001300960.2); short protein forms F137L, F197L.
Identifiers: ClinVar variation 975817 (VCV000975817.2), dbSNP rs1779473436, ClinGen allele CA365357499.

ClinVar aggregate classification (germline): Likely pathogenic (0 of 4 stars; one submission).

Conditions:
Developmental and epileptic encephalopathy, 87. Also called: EPILEPTIC ENCEPHALOPATHY, EARLY INFANTILE, 87. Identifiers: MedGen C5394501, MONDO:0030059, OMIM 618916.

Submission:

Zarate Arkansas Children's Genetics Clinic, Arkansas Children's Hospital
Classification: Likely pathogenic for Developmental and epileptic encephalopathy, 87. Last evaluated: 2020-08-11. Review status: no assertion criteria provided. Collection method: clinical testing. Allele origin: de novo. Affected: yes. Observed: 1 variant allele.
Comment: De novo variant, in conserved residue, absent in population databases, located in functional domain with other variants